The following is an entry in ClinVar:

ClinVar aggregate classification (germline): Uncertain significance (1 of 4 stars; one submission).

Conditions:
RYR1-related disorder. Also called: RYR1-related condition; RYR1-related disorders. Identifiers: MedGen CN239331.

Submission:

Labcorp Genetics (formerly Invitae), Labcorp
Classification: Uncertain significance for RYR1-related disorder. Last evaluated: 2023-04-06. Review status: criteria provided, single submitter. Criteria: Invitae Variant Classification Sherloc (09022015). Collection method: clinical testing. Allele origin: germline.
Comment: In summary, the available evidence is currently insufficient to determine the role of this variant in disease. Therefore, it has been classified as a Variant of Uncertain Significance. Advanced modeling of protein sequence and biophysical properties (such as structural, functional, and spatial information, amino acid conservation, physicochemical variation, residue mobility, and thermodynamic stability) has been performed at Invitae for this missense variant, however the output from this modeling did not meet the statistical confidence thresholds required to predict the impact of this variant on RYR1 protein function. This variant has not been reported in the literature in individuals affected with RYR1-related conditions. This variant is not present in population databases (gnomAD no frequency). This sequence change replaces valine, which is neutral and non-polar, with isoleucine, which is neutral and non-polar, at codon 1688 of the RYR1 protein (p.Val1688Ile).

NM_000540.3(RYR1):c.5062G>A (p.Val1688Ile)

Gene: RYR1 (ryanodine receptor 1; plus strand). Cytogenetic location: 19q13.2.
Variant type: single nucleotide variant.
Coding change: c.5062G>A on transcript NM_000540.3 (MANE Select); coding-DNA position 5062, G replaced by A.
Protein change: p.Val1688Ile; replaces valine 1688 with isoleucine.
Molecular consequence: missense variant.
Genome position (GRCh38, 1-based): chr19:38,485,717, G>A. VCF-style: chr19-38485717-G-A. GRCh37 (hg19) VCF-style: chr19-38976357-G-A.
Other names: c.5062G>A, p.Val1688Ile (NM_001042723.2); short protein forms V1688I.
Identifiers: ClinVar variation 2811264 (VCV002811264.3), dbSNP rs2514226804, ClinGen allele CA405653492.